The following is an entry in ClinVar:

ClinVar aggregate classification (germline): Conflicting classifications of pathogenicity. Review status: criteria provided, conflicting classifications (1 of 4 stars). 2 submissions from 2 submitters: Pathogenic (1); Uncertain significance (1). Last evaluated 2025-11-12.

Conditions:
Hereditary cancer-predisposing syndrome. Also called: Tumor predisposition; Hereditary Cancer Syndrome; Neoplastic Syndromes, Hereditary; Hereditary neoplastic syndrome. Identifiers: Orphanet 140162, MedGen C0027672, MeSH D009386, MONDO:0015356.
Carney complex, type 1 (CNC1). Also called: CARNEY MYXOMA-ENDOCRINE COMPLEX; CARNEY COMPLEX, TYPE I. Identifiers: Orphanet 1359, MedGen C2607929, MONDO:0008057, OMIM 160980.

Submissions (2):

Ambry Genetics
Classification: Uncertain significance for Hereditary cancer-predisposing syndrome. Last evaluated: 2025-11-12. Review status: criteria provided, single submitter. Criteria: Ambry Variant Classification Scheme 2023. Collection method: clinical testing. Allele origin: germline.
Comment: The p.R352* variant (also known as c.1054C>T), located in coding exon 10 of the PRKAR1A gene, results from a C to T substitution at nucleotide position 1054. This changes the amino acid from an arginine to a stop codon within coding exon 10. This alteration occurs at the 3' terminus of the gene, is not expected to trigger nonsense-mediated mRNA decay, and impacts the last 7.8% of the protein. The exact functional effect of this alteration is unknown. Based on the available evidence, the clinical significance of this variant remains unclear.

Labcorp Genetics (formerly Invitae), Labcorp
Classification: Pathogenic for Carney complex, type 1. Last evaluated: 2024-06-18. Review status: criteria provided, single submitter. Criteria: Invitae Variant Classification Sherloc (09022015). Collection method: clinical testing. Allele origin: germline.
Comment: This sequence change creates a premature translational stop signal (p.Arg352*) in the PRKAR1A gene. While this is not anticipated to result in nonsense mediated decay, it is expected to disrupt the last 30 amino acid(s) of the PRKAR1A protein. This variant is not present in population databases (gnomAD no frequency). This variant has not been reported in the literature in individuals affected with PRKAR1A-related conditions. This variant disrupts a region of the PRKAR1A protein in which other variant(s) (p.Arg368*) have been determined to be pathogenic (PMID: 21651393, 22464250, 26405036, 28804209). This suggests that this is a clinically significant region of the protein, and that variants that disrupt it are likely to be disease-causing. For these reasons, this variant has been classified as Pathogenic.

Literature cited by the submitters: PubMed 21651393 (cited by Labcorp Genetics (formerly Invitae), Labcorp); PubMed 22464250 (cited by Labcorp Genetics (formerly Invitae), Labcorp); PubMed 26405036 (cited by Labcorp Genetics (formerly Invitae), Labcorp); PubMed 28804209 (cited by Labcorp Genetics (formerly Invitae), Labcorp).

NM_002734.5(PRKAR1A):c.1054C>T (p.Arg352Ter)

Gene: PRKAR1A (protein kinase cAMP-dependent type I regulatory subunit alpha; plus strand). Cytogenetic location: 17q24.2.
Variant type: single nucleotide variant.
Coding change: c.1054C>T on transcript NM_002734.5 (MANE Select); coding-DNA position 1054, C replaced by T.
Protein change: p.Arg352Ter; replaces arginine 352 with a stop codon.
Molecular consequence: nonsense. On other transcripts: intron variant (1).
Genome position (GRCh38, 1-based): chr17:68,530,357, C>T. VCF-style: chr17-68530357-C-T. GRCh37 (hg19) VCF-style: chr17-66526498-C-T.
Other names: c.1054C>T (NM_002734.3); c.1054C>T, p.Arg352Ter (NM_001276289.2, NM_001278433.2, NM_001369389.1 and 3 more transcripts); c.973+356C>T (NM_001276290.1); short protein forms R352*.
Identifiers: ClinVar variation 2734352 (VCV002734352.4), dbSNP rs2143390883, ClinGen allele CA400754688.